The following is an entry in ClinVar:

NM_207015.3(NAALADL2):c.1534-11_1534-10delinsA

Gene: NAALADL2 (N-acetylated alpha-linked acidic dipeptidase like 2; plus strand). Cytogenetic location: 3q26.31.
Variant type: Indel.
Coding change: c.1534-11_1534-10delinsA on transcript NM_207015.3 (MANE Select); 11 bases into the intron before coding-DNA position 1534 through 10 bases into the intron before coding-DNA position 1534, TG replaced by A.
Molecular consequence: intron variant.
Genome position (GRCh38, 1-based): chr3:175,471,628-175,471,629, TG replaced by A. VCF-style: chr3-175471628-TG-A. GRCh37 (hg19) VCF-style: chr3-175189416-TG-A.
Identifiers: ClinVar variation 988891 (VCV000988891.2), dbSNP rs1553904048, ClinGen allele CA88496023.

ClinVar aggregate classification (germline): Likely benign (1 of 4 stars; one submission).

Conditions:
Developmental cataract. Also called: Congenital cataracts; Bilateral cataracts; Congenital cataract. Identifiers: MedGen C0009691, HP:0000519.

Submission:

Dept. Genetics and Cancer, Menzies Institute for Medical Research, University of Tasmania
Classification: Likely benign for Developmental cataract. Last evaluated: 2020-12-01. Review status: criteria provided, single submitter. Criteria: ACMG Guidelines, 2015. Collection method: research. Allele origin: germline. Affected: yes.
Comment: Variant is absent from controls or observed at an extremely low frequency. Variant does not co-segregate with the disease and is computationally not predicted to be deleterious. An alternate pathogenic variant was identified to account for the condition.

Literature cited by the submitters: PubMed 33867527.